The following is an entry in ClinVar:

NM_000138.5(FBN1):c.6670_6671del (p.Thr2224fs)

Gene: FBN1 (fibrillin 1; minus strand). Cytogenetic location: 15q21.1.
Variant type: Microsatellite.
Coding change: c.6670_6671del on transcript NM_000138.5 (MANE Select); coding-DNA positions 6670 to 6671, 2 bases deleted (AC; older notation c.6670_6671delAC).
Protein change: p.Thr2224fs; shifts the reading frame from threonine 2224.
Molecular consequence: frameshift variant.
Genome position (GRCh38, 1-based): chr15:48,432,934-48,432,935, GT deleted on the plus strand (AC on the coding strand, the reverse complement: FBN1 is on the minus strand); deleting any 2 consecutive bases within chr15:48,432,934-48,432,937 gives the same sequence; the c. name uses the placement nearest the transcript's 3' end. VCF-style (leftmost placement, unchanged base first): chr15-48432933-AGT-A. GRCh37 (hg19) VCF-style: chr15-48725130-AGT-A.
Other names: c.6670_6671delAC (NM_000138.4); short protein forms T2224fs.
Identifiers: ClinVar variation 665490 (VCV000665490.8), dbSNP rs1597522485, ClinGen allele CA915946644.

ClinVar aggregate classification (germline): Pathogenic (1 of 4 stars; one submission).

Conditions:
Familial thoracic aortic aneurysm and aortic dissection (TAAD). Also called: Thoracic aortic aneurysms and dissections. Identifiers: Orphanet 91387, MedGen C4707243, MONDO:0019625.
Marfan syndrome (MFS). Also called: FBN1-Related Marfan Syndrome; Marfan syndrome type 1; Marfan's syndrome; Marfan syndrome, classic; MARFAN SYNDROME, TYPE I. Identifiers: Orphanet 284963, Orphanet 558, MedGen C0024796, MONDO:0007947, OMIM 154700.

Submission:

Labcorp Genetics (formerly Invitae), Labcorp
Classification: Pathogenic for Marfan syndrome; Familial thoracic aortic aneurysm and aortic dissection. Last evaluated: 2018-10-23. Review status: criteria provided, single submitter. Criteria: Invitae Variant Classification Sherloc (09022015). Collection method: clinical testing. Allele origin: germline.
Comment: For these reasons, this variant has been classified as Pathogenic. Loss-of-function variants in FBN1 are known to be pathogenic (PMID: 17657824, 19293843). This variant is not present in population databases (ExAC no frequency). This sequence change creates a premature translational stop signal (p.Thr2224Leufs*5) in the FBN1 gene. It is expected to result in an absent or disrupted protein product.

Literature cited by the submitters: PubMed 17657824; PubMed 19293843.